The following is an entry in ClinVar:

ClinVar aggregate classification (germline): other (0 of 4 stars; one submission).

Conditions:
Familial colorectal cancer. Identifiers: MedGen CN280943, MONDO:0023113. Disease mechanism: loss of function.

Submission:

Systems Biology Platform Zhejiang California International NanoSystems Institute
Classification: other for Familial colorectal cancer. Review status: no assertion criteria provided. Collection method: not provided. Allele origin: unknown.
ClinVar note: Converted during submission from cancer to other.

NM_000038.6(APC):c.*134C>A

Gene: APC (APC regulator of WNT signaling pathway; plus strand). Cytogenetic location: 5q22.2.
Variant type: single nucleotide variant.
Coding change: c.*134C>A on transcript NM_000038.6 (MANE Select); 134 bases downstream of the stop codon, C replaced by A.
Molecular consequence: 3 prime UTR variant.
Genome position (GRCh38, 1-based): chr5:112,844,260, C>A. VCF-style: chr5-112844260-C-A. GRCh37 (hg19) VCF-style: chr5-112179957-C-A.
Other names: c.*134C>A (NM_001127510.3, NM_001127511.3, NM_001354895.2 and 11 more transcripts).
Identifiers: ClinVar variation 83253 (VCV000083253.2), dbSNP rs76439767, ClinGen allele CA004254.